The following is an entry in ClinVar:

ClinVar aggregate classification (germline): Likely pathogenic (1 of 4 stars; one submission).

gnomAD v4.1: 2 of 1,455,824 alleles (0.00014%); highest among the groups gnomAD compares: Non-Finnish European, 0.00018%; no homozygotes.

Submission:

Labcorp Genetics (formerly Invitae), Labcorp
Classification: Likely pathogenic. Last evaluated: 2025-04-16. Review status: criteria provided, single submitter. Criteria: Invitae Variant Classification Sherloc (09022015). Collection method: clinical testing. Allele origin: germline.
Comment: This sequence change affects an acceptor splice site in intron 25 of the EYS gene. It is expected to disrupt RNA splicing. Variants that disrupt the donor or acceptor splice site typically lead to a loss of protein function (PMID: 16199547), and loss-of-function variants in EYS are known to be pathogenic (PMID: 18836446, 20333770). This variant is not present in population databases (gnomAD no frequency). This variant has not been reported in the literature in individuals affected with EYS-related conditions. ClinVar contains an entry for this variant (Variation ID: 3671075). Algorithms developed to predict the effect of sequence changes on RNA splicing suggest that this variant may disrupt the consensus splice site. In summary, the currently available evidence indicates that the variant is pathogenic, but additional data are needed to prove that conclusively. Therefore, this variant has been classified as Likely Pathogenic.

Literature cited by the submitters: PubMed 16199547; PubMed 18836446; PubMed 20333770.

NM_001142800.2(EYS):c.3878-1G>T

Gene: EYS (EGF-like photoreceptor maintenance factor; minus strand). Cytogenetic location: 6q12.
Variant type: single nucleotide variant.
Coding change: c.3878-1G>T on transcript NM_001142800.2 (MANE Select); the canonical splice acceptor site of the intron before coding-DNA position 3878, G replaced by T.
Molecular consequence: splice acceptor variant.
Genome position (GRCh38, 1-based): chr6:64,591,990, C>A on the plus strand (G>T on the coding strand, the complement: EYS is on the minus strand). VCF-style: chr6-64591990-C-A. GRCh37 (hg19) VCF-style: chr6-65301883-C-A.
Other names: c.3878-1G>T (NM_001292009.2).
Identifiers: ClinVar variation 3671075 (VCV003671075.2).
Genomic context (GRCh38, chr6:64,591,990, plus strand): 5'-ATGTTGCCAAACCAGTGGTTGGGAGAATGTCGTGCTTGACAATGCCTGTCTGTTTTGGAC[C>A]TACAAAAAGGAAAAAAGCCAAAAAGGTTAGAAAAATGAATCAGAAACGAACCACTTTGGC-3'